The following is an entry in ClinVar:

ClinVar aggregate classification (germline): Uncertain significance (1 of 4 stars; one submission).

Conditions:
TRIM32-related disorder. Also called: TRIM32-related condition.

gnomAD v4.1: 1 of 1,614,084 alleles (0.000062%); highest among the groups gnomAD compares: Admixed American, 0.0017%; no homozygotes.

Submission:

PreventionGenetics, part of Exact Sciences
Classification: Uncertain significance for TRIM32-related condition. Last evaluated: 2026-04-28. Review status: criteria provided, single submitter. Criteria: ACMG Guidelines, 2015. Collection method: clinical testing. Allele origin: germline.
Comment: The TRIM32 c.330A>C variant is predicted to result in the amino acid substitution p.Gln110His. To our knowledge, this variant has not been reported in the literature or in a large population database (gnomAD), indicating this variant is rare. At this time, the clinical significance of this variant is uncertain due to the absence of conclusive functional and genetic evidence.

NM_012210.4(TRIM32):c.330A>C (p.Gln110His)

Genes: ASTN2 (astrotactin 2; minus strand), TRIM32 (tripartite motif containing 32; plus strand). Cytogenetic location: 9q33.1.
Variant type: single nucleotide variant.
Coding change: c.330A>C on transcript NM_012210.4 (MANE Select); coding-DNA position 330, A replaced by C.
Protein change: p.Gln110His; replaces glutamine 110 with histidine.
Molecular consequence: missense variant. On other transcripts: intron variant (3).
Genome position (GRCh38, 1-based): chr9:116,698,072, A>C. VCF-style: chr9-116698072-A-C. GRCh37 (hg19) VCF-style: chr9-119460351-A-C.
Other names: c.2794+27699T>G (NM_001365069.1); c.2806+27699T>G (NM_001365068.1); c.330A>C, p.Gln110His (NM_001099679.2, NM_001379048.1, NM_001379049.1 and 1 more transcripts); c.2653+27699T>G (NM_014010.5); short protein forms Q110H.
Identifiers: ClinVar variation 4996023 (VCV004996023.1).
Genomic context (GRCh38, chr9:116,698,072, plus strand): 5'-GCTCAGCGAGGCTGTGGGGCTGCTCATGTGTCGGTCCTGTGGGCGGCGTCTGCCCCGGCA[A>C]TTCTGCCGGAGCTGTGGTTTGGTGTTATGTGAGCCCTGCCGGGAGGCAGACCATCAGCCT-3'
Protein context (NP_036342.2, residues 100-120): CRSCGRRLPR[Gln110His]FCRSCGLVLC